The following is an entry in ClinVar:

NM_014140.4(SMARCAL1):c.1327G>C (p.Gly443Arg)

Gene: SMARCAL1 (SNF2 related chromatin remodeling annealing helicase 1; plus strand). Cytogenetic location: 2q35.
Variant type: single nucleotide variant.
Coding change: c.1327G>C on transcript NM_014140.4 (MANE Select); coding-DNA position 1327, G replaced by C.
Protein change: p.Gly443Arg; replaces glycine 443 with arginine.
Molecular consequence: missense variant.
Genome position (GRCh38, 1-based): chr2:216,428,775, G>C. VCF-style: chr2-216428775-G-C. GRCh37 (hg19) VCF-style: chr2-217293498-G-C.
Other names: c.1327G>C, p.Gly443Arg (NM_001127207.2); short protein forms G443R.
Identifiers: ClinVar variation 1359331 (VCV001359331.8), dbSNP rs772817540, ClinGen allele CA2097831.
Genomic context (GRCh38, chr2:216,428,775, plus strand): 5'-GCAGACCTTTCTGAAGTGGACCCCAAGCTCGTGTCTAATCTGATGCCCTTTCAGAGAGCT[G>C]GAGTCAAGTAGGTTCTTGATCTTCCTCTCTCTTCCTCTGTTGCTCAAATTTCATTACTCA-3'
Protein context (NP_054859.2, residues 433-453): VSNLMPFQRA[Gly443Arg]VNFAIAKGGR

ClinVar aggregate classification (germline): Uncertain significance (1 of 4 stars; one submission).

Conditions:
Schimke immuno-osseous dysplasia (SIOD). Also called: Schimke Immunoosseous Dysplasia. Identifiers: Orphanet 1830, MedGen C0877024, MONDO:0009458, OMIM 242900.

Allele frequency attached by ClinVar (database versions not stated): gnomAD exomes below 0.00001; TOPMed below 0.00001; ExAC 0.00001; gnomAD 0.00001.
gnomAD v4.1: 5 of 1,613,918 alleles (0.00031%); highest among the groups gnomAD compares: Non-Finnish European, 0.00042%; no homozygotes.

Submission:

Labcorp Genetics (formerly Invitae), Labcorp
Classification: Uncertain significance for Schimke immuno-osseous dysplasia. Last evaluated: 2023-03-23. Review status: criteria provided, single submitter. Criteria: Invitae Variant Classification Sherloc (09022015). Collection method: clinical testing. Allele origin: germline.
Comment: In summary, the available evidence is currently insufficient to determine the role of this variant in disease. Therefore, it has been classified as a Variant of Uncertain Significance. Advanced modeling of protein sequence and biophysical properties (such as structural, functional, and spatial information, amino acid conservation, physicochemical variation, residue mobility, and thermodynamic stability) performed at Invitae indicates that this missense variant is expected to disrupt SMARCAL1 protein function. ClinVar contains an entry for this variant (Variation ID: 1359331). This variant has not been reported in the literature in individuals affected with SMARCAL1-related conditions. This variant is present in population databases (rs772817540, gnomAD 0.0009%). This sequence change replaces glycine, which is neutral and non-polar, with arginine, which is basic and polar, at codon 443 of the SMARCAL1 protein (p.Gly443Arg).